The following is an entry in ClinVar:

NC_000001.10:g.(?_116916134)_(116947066_?)dup

Gene: ATP1A1 (ATPase Na+/K+ transporting subunit alpha 1; plus strand). Cytogenetic location: 1p13.1.
Variant type: Duplication.
Identifiers: ClinVar variation 2423347 (VCV002423347.3).

ClinVar aggregate classification (germline): Uncertain significance (1 of 4 stars; one submission).

Submission:

Labcorp Genetics (formerly Invitae), Labcorp
Classification: Uncertain significance. Last evaluated: 2022-06-08. Review status: criteria provided, single submitter. Criteria: Invitae Variant Classification Sherloc (09022015). Collection method: clinical testing. Allele origin: germline.
Comment: A copy number gain of the genomic region encompassing the full coding sequence of the ATP1A1 gene has been identified. The boundaries of this event are unknown as they extend beyond the assayed region for this gene and therefore may encompass additional genes. As the precise location of this event is unknown, it may be in tandem or it may be located elsewhere in the genome. This variant has not been reported in the literature in individuals affected with ATP1A1-related conditions. In summary, the available evidence is currently insufficient to determine the role of this variant in disease. Therefore, it has been classified as a Variant of Uncertain Significance.